The following is an entry in ClinVar:

ClinVar aggregate classification (germline): Uncertain significance (1 of 4 stars; one submission).

Conditions:
KMT2D-related disorder. Also called: KMT2D-Related Disorders.

gnomAD v4.1: 2 of 1,613,722 alleles (0.00012%); highest among the groups gnomAD compares: Middle Eastern, 0.016%; no homozygotes.

Submission:

PreventionGenetics, part of Exact Sciences
Classification: Uncertain significance for KMT2D-related condition. Last evaluated: 2026-07-01. Review status: criteria provided, single submitter. Criteria: ACMG Guidelines, 2015. Collection method: clinical testing. Allele origin: germline.
Comment: The KMT2D c.8336C>T variant is predicted to result in the amino acid substitution p.Ala2779Val. To our knowledge, this variant has not been reported in the literature or in a large population database, indicating this variant is rare. At this time, the clinical significance of this variant is uncertain due to the absence of conclusive functional and genetic evidence.

NM_003482.4(KMT2D):c.8336C>T (p.Ala2779Val)

Gene: KMT2D (lysine methyltransferase 2D; minus strand). Cytogenetic location: 12q13.12.
Variant type: single nucleotide variant.
Coding change: c.8336C>T on transcript NM_003482.4 (MANE Select); coding-DNA position 8336, C replaced by T.
Protein change: p.Ala2779Val; replaces alanine 2779 with valine.
Molecular consequence: missense variant.
Genome position (GRCh38, 1-based): chr12:49,039,252, G>A on the plus strand (C>T on the coding strand, the complement: KMT2D is on the minus strand). VCF-style: chr12-49039252-G-A. GRCh37 (hg19) VCF-style: chr12-49433035-G-A.
Other names: short protein forms A2779V.
Identifiers: ClinVar variation 3354571 (VCV003354571.2).